The following is an entry in ClinVar:

NM_005188.4(CBL):c.2134G>A (p.Asp712Asn)

Gene: CBL (Cbl proto-oncogene; plus strand). Cytogenetic location: 11q23.3.
Variant type: single nucleotide variant.
Coding change: c.2134G>A on transcript NM_005188.4 (MANE Select); coding-DNA position 2134, G replaced by A.
Protein change: p.Asp712Asn; replaces aspartic acid 712 with asparagine.
Molecular consequence: missense variant.
Genome position (GRCh38, 1-based): chr11:119,297,015, G>A. VCF-style: chr11-119297015-G-A. GRCh37 (hg19) VCF-style: chr11-119167725-G-A.
Other names: short protein forms D712N.
Identifiers: ClinVar variation 3703960 (VCV003703960.2).

ClinVar aggregate classification (germline): Uncertain significance (1 of 4 stars; one submission).

Conditions:
RASopathy. Also called: Noonan spectrum disorder; rasopathies. Identifiers: Orphanet 536391, MedGen C5555857, MONDO:0021060.

gnomAD v4.1: 3 of 1,586,160 alleles (0.00019%); highest among the groups gnomAD compares: Non-Finnish European, 0.00017%; no homozygotes.

Submission:

Labcorp Genetics (formerly Invitae), Labcorp
Classification: Uncertain significance for RASopathy. Last evaluated: 2024-05-09. Review status: criteria provided, single submitter. Criteria: Invitae Variant Classification Sherloc (09022015). Collection method: clinical testing. Allele origin: germline.
Comment: This sequence change replaces aspartic acid, which is acidic and polar, with asparagine, which is neutral and polar, at codon 712 of the CBL protein (p.Asp712Asn). This variant is not present in population databases (gnomAD no frequency). This variant has not been reported in the literature in individuals affected with CBL-related conditions. Advanced modeling of protein sequence and biophysical properties (such as structural, functional, and spatial information, amino acid conservation, physicochemical variation, residue mobility, and thermodynamic stability) performed at Invitae indicates that this missense variant is not expected to disrupt CBL protein function with a negative predictive value of 95%. In summary, the available evidence is currently insufficient to determine the role of this variant in disease. Therefore, it has been classified as a Variant of Uncertain Significance.